The following is an entry in ClinVar:

ClinVar aggregate classification (germline): Pathogenic (1 of 4 stars; one submission).

gnomAD v4.1: 1 of 1,614,170 alleles (0.000062%); highest among the groups gnomAD compares: South Asian, 0.0011%; no homozygotes.

Submission:

Labcorp Genetics (formerly Invitae), Labcorp
Classification: Pathogenic. Last evaluated: 2025-07-02. Review status: criteria provided, single submitter. Criteria: Invitae Variant Classification Sherloc (09022015). Collection method: clinical testing. Allele origin: germline.
Comment: This sequence change creates a premature translational stop signal (p.Ser163*) in the TYR gene. It is expected to result in an absent or disrupted protein product. Loss-of-function variants in TYR are known to be pathogenic (PMID: 23504663). This variant is present in population databases (no rsID available, gnomAD 0.003%). This premature translational stop signal has been observed in individual(s) with oculocutaneous albinism (PMID: 18821858). For these reasons, this variant has been classified as Pathogenic.

Literature cited by the submitters: PubMed 23504663; PubMed 18821858.

NM_000372.5(TYR):c.488C>G (p.Ser163Ter)

Gene: TYR (tyrosinase; plus strand). Cytogenetic location: 11q14.3.
Variant type: single nucleotide variant.
Coding change: c.488C>G on transcript NM_000372.5 (MANE Select); coding-DNA position 488, C replaced by G.
Protein change: p.Ser163Ter; replaces serine 163 with a stop codon.
Molecular consequence: nonsense.
Genome position (GRCh38, 1-based): chr11:89,178,441, C>G. VCF-style: chr11-89178441-C-G. GRCh37 (hg19) VCF-style: chr11-88911609-C-G.
Other names: short protein forms S163*.
Identifiers: ClinVar variation 4709872 (VCV004709872.1).